The following is an entry in ClinVar:

ClinVar aggregate classification (germline): Uncertain significance (1 of 4 stars; one submission).

gnomAD v4.1: 3 of 1,211,854 alleles (0.00025%); highest among the groups gnomAD compares: Non-Finnish European, 0.00034%; no homozygotes.

Submission:

Labcorp Genetics (formerly Invitae), Labcorp
Classification: Uncertain significance. Last evaluated: 2024-06-25. Review status: criteria provided, single submitter. Criteria: Invitae Variant Classification Sherloc (09022015). Collection method: clinical testing. Allele origin: germline.
Comment: This sequence change replaces histidine, which is basic and polar, with arginine, which is basic and polar, at codon 298 of the TLR7 protein (p.His298Arg). This variant is present in population databases (no rsID available, gnomAD 0.001%). This variant has not been reported in the literature in individuals affected with TLR7-related conditions. Algorithms developed to predict the effect of missense changes on protein structure and function output the following: SIFT: "Not Available"; PolyPhen-2: "Benign"; Align-GVGD: "Not Available". The arginine amino acid residue is found in multiple mammalian species, which suggests that this missense change does not adversely affect protein function. In summary, the available evidence is currently insufficient to determine the role of this variant in disease. Therefore, it has been classified as a Variant of Uncertain Significance.

NM_016562.4(TLR7):c.893A>G (p.His298Arg)

Gene: TLR7 (toll like receptor 7; plus strand). Cytogenetic location: Xp22.2.
Variant type: single nucleotide variant.
Coding change: c.893A>G on transcript NM_016562.4 (MANE Select); coding-DNA position 893, A replaced by G.
Protein change: p.His298Arg; replaces histidine 298 with arginine.
Molecular consequence: missense variant.
Genome position (GRCh38, 1-based): chrX:12,886,401, A>G. VCF-style: chrX-12886401-A-G. GRCh37 (hg19) VCF-style: chrX-12904520-A-G.
Other names: short protein forms H298R.
Identifiers: ClinVar variation 3684006 (VCV003684006.2).